The following is an entry in ClinVar:

NM_001367624.2(ZNF469):c.10424G>A (p.Arg3475His)

Gene: ZNF469 (zinc finger protein 469; plus strand). Cytogenetic location: 16q24.2.
Variant type: single nucleotide variant.
Coding change: c.10424G>A on transcript NM_001367624.2 (MANE Select); coding-DNA position 10424, G replaced by A.
Protein change: p.Arg3475His; replaces arginine 3475 with histidine.
Molecular consequence: missense variant.
Genome position (GRCh38, 1-based): chr16:88,437,894, G>A. VCF-style: chr16-88437894-G-A. GRCh37 (hg19) VCF-style: chr16-88504302-G-A.
Other names: NM_001127464.1:c.10340G>A; short protein forms R3475H.
Identifiers: ClinVar variation 1346716 (VCV001346716.7), dbSNP rs994815851, ClinGen allele CA397126950.

ClinVar aggregate classification (germline): Uncertain significance. Review status: criteria provided, multiple submitters, no conflicts (2 of 4 stars). 2 submissions from 2 submitters: Uncertain significance (2). Last evaluated 2025-08-06.

Conditions:
Cardiovascular phenotype. Identifiers: MedGen CN230736.

Allele frequency attached by ClinVar (database versions not stated): TOPMed below 0.00001; gnomAD 0.00002.
gnomAD v4.1: 13 of 1,540,304 alleles (0.00084%); highest among the groups gnomAD compares: East Asian, 0.0025%; no homozygotes.

Submissions (2):

Labcorp Genetics (formerly Invitae), Labcorp
Classification: Uncertain significance. Last evaluated: 2025-08-06. Review status: criteria provided, single submitter. Criteria: Invitae Variant Classification Sherloc (09022015). Collection method: clinical testing. Allele origin: germline.
Comment: This sequence change replaces arginine, which is basic and polar, with histidine, which is basic and polar, at codon 3447 of the ZNF469 protein (p.Arg3447His). This variant is present in population databases (no rsID available, gnomAD 0.009%). This variant has not been reported in the literature in individuals affected with ZNF469-related conditions. ClinVar contains an entry for this variant (Variation ID: 1346716). An algorithm developed to predict the effect of missense changes on protein structure and function outputs the following: PolyPhen-2: "Benign". The histidine amino acid residue is found in multiple mammalian species, which suggests that this missense change does not adversely affect protein function. In summary, the available evidence is currently insufficient to determine the role of this variant in disease. Therefore, it has been classified as a Variant of Uncertain Significance.

Ambry Genetics
Classification: Uncertain significance for Cardiovascular phenotype. Last evaluated: 2022-01-12. Review status: criteria provided, single submitter. Criteria: Ambry Variant Classification Scheme 2023. Collection method: clinical testing. Allele origin: germline.
Comment: The p.R3447H variant (also known as c.10340G>A), located in coding exon 2 of the ZNF469 gene, results from a G to A substitution at nucleotide position 10340. The arginine at codon 3447 is replaced by histidine, an amino acid with highly similar properties. This amino acid position is conserved. In addition, this alteration is predicted to be tolerated by in silico analysis. Since supporting evidence is limited at this time, the clinical significance of this alteration remains unclear.